The following is an entry in ClinVar:

ClinVar aggregate classification (germline): Pathogenic. Review status: criteria provided, multiple submitters, no conflicts (2 of 4 stars). 8 submissions from 8 submitters: Pathogenic (7). 1 of the submissions does not count toward it. Last evaluated 2025-10-22.

Conditions:
LMX1B-related disorder. Also called: LMX1B-related condition.
Inborn genetic diseases. Identifiers: MedGen C0950123, MeSH D030342.
Nail-patella syndrome (NPS). Also called: FONG DISEASE; ONYCHOOSTEODYSPLASIA; TURNER-KIESER SYNDROME. Identifiers: Orphanet 2614, MedGen C0027341, MONDO:0008061, OMIM 161200.

Allele frequency attached by ClinVar (database versions not stated): gnomAD 0.00001.

Submissions (8):

Ambry Genetics
Classification: Pathogenic for Inborn genetic diseases. Last evaluated: 2025-10-22. Review status: criteria provided, single submitter. Criteria: Ambry Variant Classification Scheme 2023. Collection method: clinical testing. Allele origin: germline.
Comment: The c.736C>T (p.R246*) alteration, located in exon 4 (coding exon 4) of the LMX1B gene, consists of a C to T substitution at nucleotide position 736. This changes the amino acid from an arginine (R) to a stop codon at amino acid position 246. This alteration is expected to result in loss of function by premature protein truncation or nonsense-mediated mRNA decay. for Nail patella syndrome; however, its clinical significance for LMX1B-related focal segmental glomerulosclerosis is uncertain. This variant was not reported in population-based cohorts in the Genome Aggregation Database (gnomAD). This variant was reported in individuals with features consistent with Nail patella syndrome (McIntosh, 1998; L&oacute;pez-Arvizu, 2011; Ghoumid, 2016; Jourdain, 2020). Based on the available evidence, this alteration is classified as pathogenic.

Labcorp Genetics (formerly Invitae), Labcorp
Classification: Pathogenic. Last evaluated: 2025-09-17. Review status: criteria provided, single submitter. Criteria: Invitae Variant Classification Sherloc (09022015). Collection method: clinical testing. Allele origin: germline.
Comment: This sequence change creates a premature translational stop signal (p.Arg246*) in the LMX1B gene. It is expected to result in an absent or disrupted protein product. Loss-of-function variants in LMX1B are known to be pathogenic (PMID: 9590287, 15498463). This variant is not present in population databases (gnomAD no frequency). This premature translational stop signal has been observed in individual(s) with nail-patella syndrome (PMID: 9837817). This variant is also known as R223X. ClinVar contains an entry for this variant (Variation ID: 488835). For these reasons, this variant has been classified as Pathogenic.

Mayo Clinic Laboratories, Mayo Clinic
Classification: Pathogenic. Last evaluated: 2024-08-27. Review status: criteria provided, single submitter. Criteria: ACMG Guidelines, 2015. Collection method: clinical testing. Allele origin: germline. Observed: 1 variant allele.
Comment: PP1_strong, PP4, PM2, PS4, PVS1

MGZ Medical Genetics Center
Classification: Pathogenic for Nail-patella syndrome. Last evaluated: 2022-06-01. Review status: criteria provided, single submitter. Criteria: ACMG Guidelines, 2015. Collection method: clinical testing. Allele origin: germline. Affected: yes. Observed: 1 variant allele.
Comment: ACMG criteria applied: PVS1, PS4_SUP, PM2_SUP

Blueprint Genetics
Classification: Pathogenic for LMX1B-related disorders. Last evaluated: 2019-06-17. Review status: criteria provided, single submitter. Criteria: ACMG Guidelines, 2015. Collection method: clinical testing. Allele origin: germline. Affected: yes. Observed: 1 variant allele.

GeneDx
Classification: Pathogenic. Last evaluated: 2019-05-22. Review status: criteria provided, single submitter. Criteria: GeneDx Variant Classification Process June 2021. Collection method: clinical testing. Allele origin: germline. Affected: yes.
Comment: Nonsense variant predicted to result in protein truncation or nonsense mediated decay in a gene for which loss-of-function is a known mechanism of disease; Not observed in large population cohorts (Lek et al., 2016); This variant is associated with the following publications: (PMID: 21184584, 9837817)

Fulgent Genetics
Classification: Pathogenic for Nail-patella syndrome. Last evaluated: 2018-10-31. Review status: criteria provided, single submitter. Criteria: ACMG Guidelines, 2015. Collection method: clinical testing. Allele origin: unknown.

Gharavi Laboratory, Columbia University
Classification: Pathogenic. Last evaluated: 2018-09-16. Review status: no assertion criteria provided. Criteria: ACMG Guidelines, 2015. Collection method: research. Allele origin: germline. Affected: yes. Not counted in ClinVar's aggregate classification.

Literature cited by the submitters: PubMed 9837817 (cited by 3 submitters); PubMed 21184584 (cited by Ambry Genetics and Mayo Clinic Laboratories, Mayo Clinic); PubMed 25898926 (cited by Ambry Genetics and Mayo Clinic Laboratories, Mayo Clinic); PubMed 31502745 (cited by Ambry Genetics); PubMed 9590287 (cited by Labcorp Genetics (formerly Invitae), Labcorp); PubMed 15498463 (cited by Labcorp Genetics (formerly Invitae), Labcorp); PubMed 10425280 (cited by Mayo Clinic Laboratories, Mayo Clinic); PubMed 15928687 (cited by Mayo Clinic Laboratories, Mayo Clinic); PubMed 30586318 (cited by Mayo Clinic Laboratories, Mayo Clinic); PubMed 38702915 (cited by Mayo Clinic Laboratories, Mayo Clinic).

NM_001174147.2(LMX1B):c.736C>T (p.Arg246Ter)

Gene: LMX1B (LIM homeobox transcription factor 1 beta; plus strand). Cytogenetic location: 9q33.3.
Variant type: single nucleotide variant.
Coding change: c.736C>T on transcript NM_001174147.2 (MANE Select); coding-DNA position 736, C replaced by T.
Protein change: p.Arg246Ter; replaces arginine 246 with a stop codon.
Molecular consequence: nonsense.
Genome position (GRCh38, 1-based): chr9:126,693,318, C>T. VCF-style: chr9-126693318-C-T. GRCh37 (hg19) VCF-style: chr9-129455597-C-T.
Other names: p.Arg246*; c.736C>T, p.Arg246Ter (NM_001174146.2, NM_002316.4); short protein forms R246*.
Identifiers: ClinVar variation 488835 (VCV000488835.16), dbSNP rs1554728698, ClinGen allele CA374913712.
Genomic context (GRCh38, chr9:126,693,318, plus strand): 5'-CTCACCACGCAGCAGCGAAGAGCCTTCAAGGCCTCCTTCGAGGTCTCGTCGAAGCCTTGC[C>T]GAAAGGTGAGGGGCGGCCGGGGGGCGGGGCTCAGGCTGATGCCCGCACACCCACTGCCTT-3'